The following is an entry in ClinVar:

NM_001042492.3(NF1):c.3233C>G (p.Ser1078Ter)

Gene: NF1 (neurofibromin 1; plus strand). Cytogenetic location: 17q11.2.
Variant type: single nucleotide variant.
Coding change: c.3233C>G on transcript NM_001042492.3 (MANE Select); coding-DNA position 3233, C replaced by G.
Protein change: p.Ser1078Ter; replaces serine 1078 with a stop codon.
Molecular consequence: nonsense.
Genome position (GRCh38, 1-based): chr17:31,232,108, C>G. VCF-style: chr17-31232108-C-G. GRCh37 (hg19) VCF-style: chr17-29559126-C-G.
Other names: c.3233C>G, p.Ser1078Ter (NM_000267.4); short protein forms S1078*.
Identifiers: ClinVar variation 956966 (VCV000956966.10), dbSNP rs2067122696, ClinGen allele CA398988735.

ClinVar aggregate classification (germline): Pathogenic. Review status: criteria provided, multiple submitters, no conflicts (2 of 4 stars). 3 submissions from 3 submitters: Pathogenic (3). Last evaluated 2024-02-15.

Conditions:
Neurofibromatosis, type 1 (NF1). Also called: Peripheral type neurofibromatosis; VON RECKLINGHAUSEN DISEASE; NEUROFIBROMATOSIS, TYPE I, SOMATIC; Neurofibromatosis, type I. Identifiers: Orphanet 636, MedGen C0027831, MONDO:0018975, OMIM 162200. Disease mechanism: loss of function.

Submissions (3):

Labcorp Genetics (formerly Invitae), Labcorp
Classification: Pathogenic for Neurofibromatosis, type 1. Last evaluated: 2024-02-15. Review status: criteria provided, single submitter. Criteria: Invitae Variant Classification Sherloc (09022015). Collection method: clinical testing. Allele origin: germline.
Comment: This sequence change creates a premature translational stop signal (p.Ser1078*) in the NF1 gene. It is expected to result in an absent or disrupted protein product. Loss-of-function variants in NF1 are known to be pathogenic (PMID: 10712197, 23913538). This variant is not present in population databases (gnomAD no frequency). This variant has not been reported in the literature in individuals affected with NF1-related conditions. ClinVar contains an entry for this variant (Variation ID: 956966). For these reasons, this variant has been classified as Pathogenic.

Genome-Nilou Lab
Classification: Pathogenic for Neurofibromatosis, type 1. Last evaluated: 2022-03-15. Review status: criteria provided, single submitter. Criteria: ACMG Guidelines, 2015. Collection method: clinical testing. Allele origin: germline. Affected: no.

Genome Diagnostics Laboratory, The Hospital for Sick Children
Classification: Pathogenic for Neurofibromatosis, type 1. Last evaluated: 2020-10-26. Review status: criteria provided, single submitter. Criteria: ACMG Guidelines, 2015. Collection method: clinical testing. Allele origin: germline. Affected: yes.

Literature cited by the submitters: PubMed 10712197 (cited by Labcorp Genetics (formerly Invitae), Labcorp); PubMed 23913538 (cited by Labcorp Genetics (formerly Invitae), Labcorp).